The following is an entry in ClinVar:

ClinVar aggregate classification (germline): Pathogenic/Likely pathogenic. Review status: criteria provided, multiple submitters, no conflicts (2 of 4 stars). 2 submissions from 2 submitters: Pathogenic (1); Likely pathogenic (1). Last evaluated 2023-10-03.

Conditions:
Familial cancer of breast. Also called: Hereditary breast cancer; hereditary breast carcinoma; BREAST CANCER, FAMILIAL. Identifiers: Orphanet 227535, MedGen C0346153, MONDO:0016419, OMIM 114480. Disease mechanism: loss of function.
Ataxia-telangiectasia syndrome (AT). Also called: Ataxia-telangiectasia, complementation group D; AT, COMPLEMENTATION GROUP C; ATAXIA-TELANGIECTASIA, COMPLEMENTATION GROUP A; ATAXIA-TELANGIECTASIA, FRESNO VARIANT; Ataxia-telangiectasia; Ataxia telangiectasia (A-T). Identifiers: Orphanet 100, MedGen C0004135, MONDO:0008840, OMIM 208900.

Submissions (2):

Labcorp Genetics (formerly Invitae), Labcorp
Classification: Pathogenic for Ataxia-telangiectasia syndrome. Last evaluated: 2023-10-03. Review status: criteria provided, single submitter. Criteria: Invitae Variant Classification Sherloc (09022015). Collection method: clinical testing. Allele origin: germline.
Comment: This sequence change affects an acceptor splice site in intron 34 of the ATM gene. It is expected to disrupt RNA splicing. Variants that disrupt the donor or acceptor splice site typically lead to a loss of protein function (PMID: 16199547), and loss-of-function variants in ATM are known to be pathogenic (PMID: 23807571, 25614872). This variant is not present in population databases (gnomAD no frequency). Disruption of this splice site has been observed in individual(s) with clinical features of ataxia-telangiectasia (Invitae). In at least one individual the data is consistent with being in trans (on the opposite chromosome) from a pathogenic variant. Algorithms developed to predict the effect of sequence changes on RNA splicing suggest that this variant may disrupt the consensus splice site. For these reasons, this variant has been classified as Pathogenic.

Juno Genomics, Hangzhou Juno Genomics, Inc
Classification: Likely pathogenic for Familial cancer of breast; Ataxia-telangiectasia syndrome. Review status: criteria provided, single submitter. Criteria: ACMG Guidelines, 2015. Collection method: clinical testing. Allele origin: germline.
Comment: Null variant in a gene where loss of function (LOF) is a known mechanism of disease.;Absent from controls (or at extremely low frequency if recessive) in Genome Aggregation Database.

Literature cited by the submitters: PubMed 16199547 (cited by Labcorp Genetics (formerly Invitae), Labcorp); PubMed 23807571 (cited by Labcorp Genetics (formerly Invitae), Labcorp); PubMed 25614872 (cited by Labcorp Genetics (formerly Invitae), Labcorp).

NM_000051.4(ATM):c.5178-2A>C

Gene: ATM (ATM serine/threonine kinase; plus strand). Cytogenetic location: 11q22.3.
Variant type: single nucleotide variant.
Coding change: c.5178-2A>C on transcript NM_000051.4 (MANE Select); the canonical splice acceptor site of the intron before coding-DNA position 5178, A replaced by C.
Molecular consequence: splice acceptor variant.
Genome position (GRCh38, 1-based): chr11:108,301,646, A>C. VCF-style: chr11-108301646-A-C. GRCh37 (hg19) VCF-style: chr11-108172373-A-C.
Other names: c.5178-2A>C (NM_001351834.2).
Identifiers: ClinVar variation 2808155 (VCV002808155.5), dbSNP rs2135911500, ClinGen allele CA382542073.